The following is an entry in ClinVar:

ClinVar aggregate classification (germline): Uncertain significance. Review status: criteria provided, multiple submitters, no conflicts (2 of 4 stars). 3 submissions from 3 submitters: Uncertain significance (2). 1 of the submissions does not count toward it. Last evaluated 2024-11-15.

Conditions:
VPS13B-related disorder. Also called: VPS13B-related condition.
Cohen syndrome (COH1). Also called: PEPPER SYNDROME; Cutis verticis gyrata, retinitis pigmentosa, and sensorineural deafness. Identifiers: Orphanet 193, MedGen C0265223, MONDO:0008999, OMIM 216550.

Allele frequency attached by ClinVar (database versions not stated): gnomAD below 0.00001 and 0.00001; gnomAD exomes below 0.00001; TOPMed below 0.00001.
gnomAD v4.1: 4 of 1,613,570 alleles (0.00025%); highest among the groups gnomAD compares: Admixed American, 0.005%; no homozygotes.

Submissions (3):

PreventionGenetics, part of Exact Sciences
Classification: Uncertain significance for VPS13B-related condition. Last evaluated: 2024-11-15. Review status: criteria provided, single submitter. Criteria: ACMG Guidelines, 2015. Collection method: clinical testing. Allele origin: germline.
Comment: The VPS13B c.8983C>A variant is predicted to result in the amino acid substitution p.Pro2995Thr. To our knowledge, this variant has not been reported in the literature. This variant is reported in 0.0029% of alleles in individuals of Latino descent in gnomAD. At this time, the clinical significance of this variant is uncertain due to the absence of conclusive functional and genetic evidence.

Labcorp Genetics (formerly Invitae), Labcorp
Classification: Uncertain significance for Cohen syndrome. Last evaluated: 2022-08-09. Review status: criteria provided, single submitter. Criteria: Invitae Variant Classification Sherloc (09022015). Collection method: clinical testing. Allele origin: germline.
Comment: This sequence change replaces proline with threonine at codon 3020 of the VPS13B protein (p.Pro3020Thr). The proline residue is moderately conserved and there is a small physicochemical difference between proline and threonine. This variant is present in population databases (no rsID available, gnomAD 0.003%). This variant has not been reported in the literature in individuals affected with VPS13B-related conditions. ClinVar contains an entry for this variant (Variation ID: 965686). Algorithms developed to predict the effect of missense changes on protein structure and function are either unavailable or do not agree on the potential impact of this missense change (SIFT: "Not Available"; PolyPhen-2: "Possibly Damaging"; Align-GVGD: "Not Available"). In summary, the available evidence is currently insufficient to determine the role of this variant in disease. Therefore, it has been classified as a Variant of Uncertain Significance.

Natera, Inc.
Classification: Uncertain significance for Cohen syndrome. Last evaluated: 2020-03-11. Review status: no assertion criteria provided. Collection method: clinical testing. Allele origin: germline. Not counted in ClinVar's aggregate classification.

NM_152564.5(VPS13B):c.8983C>A (p.Pro2995Thr)

Gene: VPS13B (vacuolar protein sorting 13 homolog B; plus strand). Cytogenetic location: 8q22.2.
Variant type: single nucleotide variant.
Coding change: c.8983C>A on transcript NM_152564.5 (MANE Select); coding-DNA position 8983, C replaced by A.
Protein change: p.Pro2995Thr; replaces proline 2995 with threonine.
Molecular consequence: missense variant.
Genome position (GRCh38, 1-based): chr8:99,820,111, C>A. VCF-style: chr8-99820111-C-A. GRCh37 (hg19) VCF-style: chr8-100832339-C-A.
Other names: c.8983C>A (NM_152564.4); c.9058C>A, p.Pro3020Thr (NM_017890.5); short protein forms P2995T, P3020T.
Identifiers: ClinVar variation 965686 (VCV000965686.8), dbSNP rs1180231209, ClinGen allele CA371777466.